The following is an entry in ClinVar:

ClinVar aggregate classification (germline): Conflicting classifications of pathogenicity. Review status: criteria provided, conflicting classifications (1 of 4 stars). 2 submissions from 2 submitters: Uncertain significance (1); Benign (1). Last evaluated 2023-09-06.

Allele frequency attached by ClinVar (database versions not stated): gnomAD exomes below 0.00001.
gnomAD v4.1: 1 of 1,614,164 alleles (0.000062%); highest among the groups gnomAD compares: Non-Finnish European, 0.000085%; no homozygotes.

Submissions (2):

Labcorp Genetics (formerly Invitae), Labcorp
Classification: Uncertain significance. Last evaluated: 2023-09-06. Review status: criteria provided, single submitter. Criteria: Invitae Variant Classification Sherloc (09022015). Collection method: clinical testing. Allele origin: germline.
Comment: In summary, the available evidence is currently insufficient to determine the role of this variant in disease. Therefore, it has been classified as a Variant of Uncertain Significance. Algorithms developed to predict the effect of missense changes on protein structure and function output the following: SIFT: "Not Available"; PolyPhen-2: "Benign"; Align-GVGD: "Not Available". The isoleucine amino acid residue is found in multiple mammalian species, which suggests that this missense change does not adversely affect protein function. ClinVar contains an entry for this variant (Variation ID: 1685698). This variant has not been reported in the literature in individuals affected with ADGRE2-related conditions. This variant is present in population databases (no rsID available, gnomAD 0.0009%). This sequence change replaces methionine, which is neutral and non-polar, with isoleucine, which is neutral and non-polar, at codon 410 of the ADGRE2 protein (p.Met410Ile).

Mendelics
Classification: Benign. Last evaluated: 2022-05-04. Review status: criteria provided, single submitter. Criteria: Mendelics Assertion Criteria 2019. Collection method: clinical testing. Allele origin: germline.

NM_013447.4(ADGRE2):c.1230G>A (p.Met410Ile)

Gene: ADGRE2 (adhesion G protein-coupled receptor E2; minus strand). Cytogenetic location: 19p13.12.
Variant type: single nucleotide variant.
Coding change: c.1230G>A on transcript NM_013447.4 (MANE Select); coding-DNA position 1230, G replaced by A.
Protein change: p.Met410Ile; replaces methionine 410 with isoleucine.
Molecular consequence: missense variant.
Genome position (GRCh38, 1-based): chr19:14,755,840, C>T on the plus strand (G>A on the coding strand, the complement: ADGRE2 is on the minus strand). VCF-style: chr19-14755840-C-T. GRCh37 (hg19) VCF-style: chr19-14866652-C-T.
Other names: c.1230G>A, p.Met410Ile (NM_001271052.1); short protein forms M410I.
Identifiers: ClinVar variation 1685698 (VCV001685698.6), dbSNP rs1005458732, ClinGen allele CA305705016.